The following is an entry in ClinVar:

ClinVar aggregate classification (germline): Uncertain significance (1 of 4 stars; one submission).

Submission:

GeneDx
Classification: Uncertain significance. Last evaluated: 2022-07-05. Review status: criteria provided, single submitter. Criteria: GeneDx Variant Classification Process June 2021. Collection method: clinical testing. Allele origin: germline. Affected: yes.
Comment: Not observed at significant frequency in large population cohorts (gnomAD); In silico analysis supports that this missense variant does not alter protein structure/function; Has not been previously published as pathogenic or benign to our knowledge

NM_005476.7(GNE):c.476G>C (p.Cys159Ser)

Gene: GNE (glucosamine (UDP-N-acetyl)-2-epimerase/N-acetylmannosamine kinase; minus strand). Cytogenetic location: 9p13.3.
Variant type: single nucleotide variant.
Coding change: c.476G>C on transcript NM_005476.7 (MANE Select); coding-DNA position 476, G replaced by C.
Protein change: p.Cys159Ser; replaces cysteine 159 with serine.
Molecular consequence: missense variant.
Genome position (GRCh38, 1-based): chr9:36,246,171, C>G on the plus strand (G>C on the coding strand, the complement: GNE is on the minus strand). VCF-style: chr9-36246171-C-G. GRCh37 (hg19) VCF-style: chr9-36246168-C-G.
Other names: c.569G>C, p.Cys190Ser (NM_001128227.3); c.476G>C, p.Cys159Ser (NM_001190383.3, NM_001374797.1); c.299G>C, p.Cys100Ser (NM_001190384.3, NM_001190388.2, NM_001374798.1); short protein forms C100S, C190S, C159S.
Identifiers: ClinVar variation 1810480 (VCV001810480.1), dbSNP rs2489787192, ClinGen allele CA373418517.